The following is an entry in ClinVar:

NM_001389.5(DSCAM):c.5592C>T (p.Ser1864=)

Gene: DSCAM (DS cell adhesion molecule; minus strand). Cytogenetic location: 21q22.2.
Variant type: single nucleotide variant.
Coding change: c.5592C>T on transcript NM_001389.5 (MANE Select); coding-DNA position 5592, C replaced by T.
Protein change: p.Ser1864=; no amino-acid change (serine 1864 retained).
Molecular consequence: synonymous variant. On other transcripts: non-coding transcript variant (1).
Genome position (GRCh38, 1-based): chr21:40,042,465, G>A on the plus strand (C>T on the coding strand, the complement: DSCAM is on the minus strand). VCF-style: chr21-40042465-G-A. GRCh37 (hg19) VCF-style: chr21-41414392-G-A.
Other names: c.5592C>T, p.Ser1864= (NM_001271534.3).
Identifiers: ClinVar variation 3389057 (VCV003389057.14).

ClinVar aggregate classification (germline): Likely benign (1 of 4 stars; one submission).

gnomAD v4.1: 23 of 1,614,060 alleles (0.0014%); highest among the groups gnomAD compares: East Asian, 0.0045%; no homozygotes.

Submission:

CeGaT Center for Human Genetics Tuebingen
Classification: Likely benign. Last evaluated: 2024-11-01. Review status: criteria provided, single submitter. Criteria: CeGaT Center For Human Genetics Tuebingen Variant Classification Criteria Version 2. Collection method: clinical testing. Allele origin: germline. Affected: yes. Observed: 1 variant allele.
Comment: DSCAM: BP4, BP7